The following is an entry in ClinVar:

NM_001174147.2(LMX1B):c.886+7_886+39del

Gene: LMX1B (LIM homeobox transcription factor 1 beta; plus strand). Cytogenetic location: 9q33.3.
Variant type: Deletion.
Coding change: c.886+7_886+39del on transcript NM_001174147.2 (MANE Select); bases 7 to 39 of the intron after coding-DNA position 886, 33 bases deleted.
Molecular consequence: splice donor variant.
Genome position (GRCh38, 1-based): chr9:126,693,819-126,693,851, 33 bases deleted; deleting any 33 consecutive bases within chr9:126,693,803-126,693,851 gives the same sequence; the c. name uses the placement nearest the transcript's 3' end. GRCh37 (hg19): chr9:129,456,098-129,456,130.
Other names: c.893_919+6del (NM_001174146.2); c.886+7_886+39del (NM_002316.4).
Identifiers: ClinVar variation 1572513 (VCV001572513.21), dbSNP rs746256519, ClinGen allele CA5242455.

ClinVar aggregate classification (germline): Likely benign. Review status: criteria provided, multiple submitters, no conflicts (2 of 4 stars). 2 submissions from 2 submitters: Likely benign (2). Last evaluated 2025-02-01.

Submissions (2):

CeGaT Center for Human Genetics Tuebingen
Classification: Likely benign. Last evaluated: 2025-02-01. Review status: criteria provided, single submitter. Criteria: CeGaT Center For Human Genetics Tuebingen Variant Classification Criteria Version 2. Collection method: clinical testing. Allele origin: germline. Affected: yes. Observed: 1 variant allele.
Comment: LMX1B: BP5

Labcorp Genetics (formerly Invitae), Labcorp
Classification: Likely benign. Last evaluated: 2023-11-27. Review status: criteria provided, single submitter. Criteria: Invitae Variant Classification Sherloc (09022015). Collection method: clinical testing. Allele origin: germline.